The following is an entry in ClinVar:

ClinVar aggregate classification (germline): Uncertain significance (1 of 4 stars; one submission).

gnomAD v4.1: 4 of 1,612,550 alleles (0.00025%); highest among the groups gnomAD compares: Admixed American, 0.0067%; no homozygotes.

Submission:

Labcorp Genetics (formerly Invitae), Labcorp
Classification: Uncertain significance. Last evaluated: 2022-04-07. Review status: criteria provided, single submitter. Criteria: Invitae Variant Classification Sherloc (09022015). Collection method: clinical testing. Allele origin: germline.
Comment: In summary, the available evidence is currently insufficient to determine the role of this variant in disease. Therefore, it has been classified as a Variant of Uncertain Significance. Algorithms developed to predict the effect of missense changes on protein structure and function are either unavailable or do not agree on the potential impact of this missense change (SIFT: "Deleterious"; PolyPhen-2: "Probably Damaging"; Align-GVGD: "Class C0"). This variant has not been reported in the literature in individuals affected with SLC34A3-related conditions. This variant is present in population databases (no rsID available, gnomAD 0.009%). This sequence change replaces isoleucine, which is neutral and non-polar, with asparagine, which is neutral and polar, at codon 458 of the SLC34A3 protein (p.Ile458Asn).

NM_001177316.2(SLC34A3):c.1373T>A (p.Ile458Asn)

Gene: SLC34A3 (solute carrier family 34 member 3; plus strand). Cytogenetic location: 9q34.3.
Variant type: single nucleotide variant.
Coding change: c.1373T>A on transcript NM_001177316.2 (MANE Select); coding-DNA position 1373, T replaced by A.
Protein change: p.Ile458Asn; replaces isoleucine 458 with asparagine.
Molecular consequence: missense variant.
Genome position (GRCh38, 1-based): chr9:137,235,989, T>A. VCF-style: chr9-137235989-T-A. GRCh37 (hg19) VCF-style: chr9-140130441-T-A.
Other names: c.1373T>A, p.Ile458Asn (NM_001177317.2, NM_080877.3); short protein forms I458N.
Identifiers: ClinVar variation 2428433 (VCV002428433.6), dbSNP rs1407987712, ClinGen allele CA375740245.